The following is an entry in ClinVar:

ClinVar aggregate classification (germline): Conflicting classifications of pathogenicity. Review status: criteria provided, conflicting classifications (1 of 4 stars). 8 submissions from 8 submitters: Uncertain significance (1); Benign (2); Likely benign (3). 2 of the submissions do not count toward it. Last evaluated 2026-02-04.

Conditions:
Microcephaly 1, primary, autosomal recessive (MCPH1). Also called: PREMATURE CHROMOSOME CONDENSATION SYNDROME; PCC SYNDROME; PREMATURE CHROMOSOME CONDENSATION WITH MICROCEPHALY AND MENTAL RETARDATION. Identifiers: Orphanet 2512, MedGen C1855081, MONDO:0009617, OMIM 251200.

Allele frequency attached by ClinVar (database versions not stated): gnomAD 0.00214 and 0.00217; 1000 Genomes Project 30x 0.00141; TOPMed 0.00143; 1000 Genomes Project 0.00180; ESP Exome Variant Server 0.00191; gnomAD exomes 0.00255; ExAC 0.00290.
gnomAD v4.1: 4,013 of 1,614,216 alleles (0.25%); highest among the groups gnomAD compares: Non-Finnish European, 0.28%; 7 homozygotes.

Submissions (8):

Labcorp Genetics (formerly Invitae), Labcorp
Classification: Benign. Last evaluated: 2026-02-04. Review status: criteria provided, single submitter. Criteria: Invitae Variant Classification Sherloc (09022015). Collection method: clinical testing. Allele origin: germline.

CeGaT Center for Human Genetics Tuebingen
Classification: Likely benign. Last evaluated: 2024-12-01. Review status: criteria provided, single submitter. Criteria: CeGaT Center For Human Genetics Tuebingen Variant Classification Criteria Version 2. Collection method: clinical testing. Allele origin: germline. Affected: yes. Observed: 5 variant alleles.
Comment: MCPH1: BP4

GeneDx
Classification: Likely benign. Last evaluated: 2020-06-23. Review status: criteria provided, single submitter. Criteria: GeneDx Variant Classification Process June 2021. Collection method: clinical testing. Allele origin: germline. Affected: yes.

Illumina Laboratory Services, Illumina
Classification: Uncertain significance for Microcephaly 1, primary, autosomal recessive. Last evaluated: 2018-01-12. Review status: criteria provided, single submitter. Criteria: ICSL Variant Classification Criteria 13 December 2019. Collection method: clinical testing. Allele origin: germline.

Genetic Services Laboratory, University of Chicago
Classification: Likely benign. Last evaluated: 2016-08-19. Review status: criteria provided, single submitter. Criteria: ACMG Guidelines, 2015. Collection method: clinical testing. Allele origin: germline. Affected: no.

Eurofins Ntd Llc (ga)
Classification: Benign. Last evaluated: 2015-04-02. Review status: criteria provided, single submitter. Criteria: EGL Classification Definitions 2015. Collection method: clinical testing. Allele origin: germline. Observed: 1 variant allele, 1 heterozygote.

Clinical Genetics DNA and cytogenetics Diagnostics Lab, Erasmus MC, Erasmus Medical Center
Classification: Likely benign. Review status: no assertion criteria provided. Collection method: clinical testing. Allele origin: germline. Affected: yes. Study: VKGL Data-share Consensus. Not counted in ClinVar's aggregate classification.

Joint Genome Diagnostic Labs from Nijmegen and Maastricht, Radboudumc and MUMC+
Classification: Benign. Review status: no assertion criteria provided. Collection method: clinical testing. Allele origin: germline. Affected: yes. Study: VKGL Data-share Consensus. Not counted in ClinVar's aggregate classification.

NM_024596.5(MCPH1):c.2401A>G (p.Ser801Gly)

Genes: MCPH1 (microcephalin 1; plus strand), MCPH1-AS1 (MCPH1 antisense RNA 1; minus strand). Cytogenetic location: 8p23.1.
Variant type: single nucleotide variant.
Coding change: c.2401A>G on transcript NM_024596.5 (MANE Select); coding-DNA position 2401, A replaced by G.
Protein change: p.Ser801Gly; replaces serine 801 with glycine.
Molecular consequence: missense variant.
Genome position (GRCh38, 1-based): chr8:6,621,640, A>G. VCF-style: chr8-6621640-A-G. GRCh37 (hg19) VCF-style: chr8-6479161-A-G.
Other names: c.2401A>G, p.Ser801Gly (NM_001322042.2, NM_001363979.1); c.2122A>G, p.Ser708Gly (NM_001363980.2); short protein forms S801G, S708G.
Identifiers: ClinVar variation 158856 (VCV000158856.67), dbSNP rs45540031, ClinGen allele CA201079.